The following is an entry in ClinVar:

ClinVar aggregate classification (germline): Uncertain significance (1 of 4 stars; one submission).

Conditions:
ANKRD1-related dilated cardiomyopathy. Identifiers: MedGen CN119551.

Submission:

Labcorp Genetics (formerly Invitae), Labcorp
Classification: Uncertain significance for ANKRD1-related dilated cardiomyopathy. Last evaluated: 2025-01-22. Review status: criteria provided, single submitter. Criteria: Invitae Variant Classification Sherloc (09022015). Collection method: clinical testing. Allele origin: germline.
Comment: This sequence change replaces glycine, which is neutral and non-polar, with glutamic acid, which is acidic and polar, at codon 18 of the ANKRD1 protein (p.Gly18Glu). This variant is not present in population databases (gnomAD no frequency). This variant has not been reported in the literature in individuals affected with ANKRD1-related conditions. An algorithm developed to predict the effect of missense changes on protein structure and function outputs the following: PolyPhen-2: "Benign". The glutamic acid amino acid residue is found in multiple mammalian species, which suggests that this missense change does not adversely affect protein function. In summary, the available evidence is currently insufficient to determine the role of this variant in disease. Therefore, it has been classified as a Variant of Uncertain Significance.

NM_014391.3(ANKRD1):c.53G>A (p.Gly18Glu)

Gene: ANKRD1 (ankyrin repeat domain 1; minus strand). Cytogenetic location: 10q23.31.
Variant type: single nucleotide variant.
Coding change: c.53G>A on transcript NM_014391.3 (MANE Select); coding-DNA position 53, G replaced by A.
Protein change: p.Gly18Glu; replaces glycine 18 with glutamic acid.
Molecular consequence: missense variant.
Genome position (GRCh38, 1-based): chr10:90,920,323, C>T on the plus strand (G>A on the coding strand, the complement: ANKRD1 is on the minus strand). VCF-style: chr10-90920323-C-T. GRCh37 (hg19) VCF-style: chr10-92680080-C-T.
Other names: short protein forms G18E.
Identifiers: ClinVar variation 3676852 (VCV003676852.2).